The following is an entry in ClinVar:

NM_015151.4(DIP2A):c.2088C>T (p.Asn696=)

Gene: DIP2A (disco interacting protein 2 homolog A; plus strand). Cytogenetic location: 21q22.3.
Variant type: single nucleotide variant.
Coding change: c.2088C>T on transcript NM_015151.4 (MANE Select); coding-DNA position 2088, C replaced by T.
Protein change: p.Asn696=; no amino-acid change (asparagine 696 retained).
Molecular consequence: synonymous variant.
Genome position (GRCh38, 1-based): chr21:46,541,807, C>T. VCF-style: chr21-46541807-C-T. GRCh37 (hg19) VCF-style: chr21-47961720-C-T.
Other names: c.1959C>T, p.Asn653= (NM_001146115.2); c.2076C>T, p.Asn692= (NM_001146116.2); c.2091C>T, p.Asn697= (NM_001353942.2); c.2088C>T, p.Asn696= (NM_001353943.2, NM_001410751.1, NM_206889.3 and 2 more transcripts); c.1839C>T, p.Asn613= (NM_001353944.2).
Identifiers: ClinVar variation 3053076 (VCV003053076.2), dbSNP rs367800392, ClinGen allele CA10082242.

ClinVar aggregate classification (germline): Likely benign (0 of 4 stars; one submission).

Conditions:
DIP2A-related disorder. Also called: DIP2A-related condition.

Allele frequency attached by ClinVar (database versions not stated): ExAC 0.00001; ESP Exome Variant Server 0.00008.
gnomAD v4.1: 17 of 1,613,796 alleles (0.0011%); highest among the groups gnomAD compares: African/African-American, 0.0027%; no homozygotes.

Submission:

PreventionGenetics, part of Exact Sciences
Classification: Likely benign for DIP2A-related condition. Last evaluated: 2019-08-29. Review status: no assertion criteria provided. Collection method: clinical testing. Allele origin: germline.
Comment: This variant is classified as likely benign based on ACMG/AMP sequence variant interpretation guidelines (Richards et al. 2015 PMID: 25741868, with internal and published modifications).